The following is an entry in ClinVar:

NM_001267550.2(TTN):c.101635C>T (p.His33879Tyr)

Genes: TTN-AS1 (TTN antisense RNA 1; plus strand), TTN (titin; minus strand). Cytogenetic location: 2q31.2.
Variant type: single nucleotide variant.
Coding change: c.101635C>T on transcript NM_001267550.2 (MANE Select); coding-DNA position 101635, C replaced by T.
Protein change: p.His33879Tyr; replaces histidine 33879 with tyrosine.
Molecular consequence: missense variant.
Genome position (GRCh38, 1-based): chr2:178,534,980, G>A on the plus strand (C>T on the coding strand, the complement: TTN is on the minus strand). VCF-style: chr2-178534980-G-A. GRCh37 (hg19) VCF-style: chr2-179399707-G-A.
Other names: c.96712C>T, p.His32238Tyr (NM_001256850.1); c.74440C>T, p.His24814Tyr (NM_003319.4); c.93931C>T, p.His31311Tyr (NM_133378.4); c.74815C>T, p.His24939Tyr (NM_133432.3); c.75016C>T, p.His25006Tyr (NM_133437.4); short protein forms H25006Y, H31311Y, H24814Y, H32238Y, H33879Y, H24939Y.
Identifiers: ClinVar variation 2086301 (VCV002086301.4), dbSNP rs1247427318, ClinGen allele CA349420119.
Genomic context (GRCh38, chr2:178,534,980, plus strand): 5'-CAAGTCCTGATATAAACTCAAAGATCATAACTAATTCTTCCATGCTTTCAAATGATTCAT[G>A]GAGGTGTAAGATGTTTCTATGCCTAGCAATATTCAGAATGGAAATTTCCTTCTTTACCAA-3'
Protein context (NP_001254479.2, residues 33869-33889): IARHRNILHL[His33879Tyr]ESFESMEELV

ClinVar aggregate classification (germline): Uncertain significance (1 of 4 stars; one submission).

Conditions:
Dilated cardiomyopathy 1G (CMD1G). Identifiers: Orphanet 154, MedGen C1858763, MONDO:0011400, OMIM 604145.
Autosomal recessive limb-girdle muscular dystrophy type 2J (LGMDR10). Also called: Limb-girdle muscular dystrophy, type 2J; MUSCULAR DYSTROPHY, LIMB-GIRDLE, AUTOSOMAL RECESSIVE 10. Identifiers: Orphanet 140922, MedGen C1837342, MONDO:0012127, OMIM 608807.

Allele frequency attached by ClinVar (database versions not stated): TOPMed below 0.00001; gnomAD 0.00001; gnomAD exomes 0.00001.

Submission:

Labcorp Genetics (formerly Invitae), Labcorp
Classification: Uncertain significance for Dilated cardiomyopathy 1G; Autosomal recessive limb-girdle muscular dystrophy type 2J. Last evaluated: 2026-01-31. Review status: criteria provided, single submitter. Criteria: Invitae Variant Classification Sherloc (09022015). Collection method: clinical testing. Allele origin: germline.
Comment: This sequence change replaces histidine, which is basic and polar, with tyrosine, which is neutral and polar, at codon 33879 of the TTN protein (p.His33879Tyr). This variant is present in population databases (no rsID available, gnomAD 0.007%). This variant has not been reported in the literature in individuals affected with TTN-related conditions. ClinVar contains an entry for this variant (Variation ID: 2086301). Experimental studies and prediction algorithms are not available or were not evaluated, and the functional significance of this variant is currently unknown. This variant is located in the M band of TTN (PMID: 25589632). Non-truncating variants in this region may be relevant for neuromuscular disorders, but have not been definitively shown to cause cardiomyopathy (PMID: 23975875). In summary, the available evidence is currently insufficient to determine the role of this variant in disease. Therefore, it has been classified as a Variant of Uncertain Significance.

Literature cited by the submitters: PubMed 25589632; PubMed 23975875.